The following is an entry in ClinVar:

NM_017739.4(POMGNT1):c.1365G>A (p.Arg455=)

Genes: POMGNT1 (protein O-linked mannose N-acetylglucosaminyltransferase 1 (beta 1,2-); minus strand), TSPAN1 (tetraspanin 1; plus strand). Cytogenetic location: 1p34.1.
Variant type: single nucleotide variant.
Coding change: c.1365G>A on transcript NM_017739.4 (MANE Select); coding-DNA position 1365, G replaced by A.
Protein change: p.Arg455=; no amino-acid change (arginine 455 retained).
Molecular consequence: synonymous variant.
Genome position (GRCh38, 1-based): chr1:46,192,356, C>T on the plus strand (G>A on the coding strand, the complement: POMGNT1 is on the minus strand). VCF-style: chr1-46192356-C-T. GRCh37 (hg19) VCF-style: chr1-46658028-C-T.
Other names: c.1365G>A, p.Arg455= (NM_001243766.2, NM_001410783.1); c.1299G>A, p.Arg433= (NM_001290129.3); c.936G>A, p.Arg312= (NM_001290130.2).
Identifiers: ClinVar variation 704793 (VCV000704793.15), dbSNP rs774554415, ClinGen allele CA833401.

ClinVar aggregate classification (germline): Likely benign. Review status: criteria provided, multiple submitters, no conflicts (2 of 4 stars). 4 submissions from 4 submitters: Likely benign (2). 2 of the submissions do not count toward it. Last evaluated 2025-02-02.

Conditions:
Retinitis pigmentosa 76 (RP76). Identifiers: MedGen C4310704, MONDO:0014929, OMIM 617123.
Muscular dystrophy-dystroglycanopathy (congenital with brain and eye anomalies), type A3. Also called: WALKER-WARBURG SYNDROME OR MUSCLE-EYE-BRAIN DISEASE, POMGNT1-RELATED; Congenital muscular dystrophy-dystroglycanopathy with brain and eye anomalies, type A3; Muscular dystrophy-dystroglycanopathy (congenital with brain and eye anomalies), type A, 3. Identifiers: MedGen C3151519, MONDO:0009667, OMIM 253280.
Autosomal recessive limb-girdle muscular dystrophy type 2O. Also called: MUSCULAR DYSTROPHY-DYSTROGLYCANOPATHY (LIMB-GIRDLE), TYPE C, 3; MUSCULAR DYSTROPHY-DYSTROGLYCANOPATHY, LIMB-GIRDLE, POMGNT1-RELATED; Limb-Girdle Muscular Dystrophy Type 3C. Identifiers: Orphanet 206564, MedGen C3150417, MONDO:0013161, OMIM 613157.
Muscular dystrophy-dystroglycanopathy (congenital with impaired intellectual development), type B, 3. Also called: Muscular dystrophy-dystroglycanopathy (congenital with intellectual disability), type B3; MUSCULAR DYSTROPHY, CONGENITAL, POMGNT1-RELATED. Identifiers: MedGen C3150412, MONDO:0013155, OMIM 613151.
POMGNT1-related disorder. Also called: POMGNT1-related condition; POMGNT1-related disorders. Identifiers: MedGen CN239299.
Muscle eye brain disease (MEB). Also called: Santavuori congenital muscular dystrophy. Identifiers: Orphanet 588, Orphanet 899, MedGen C0457133, MONDO:0018939.

Allele frequency attached by ClinVar (database versions not stated): gnomAD exomes 0.00004 and 0.00002; TOPMed 0.00002; ExAC 0.00003; gnomAD 0.00001.
gnomAD v4.1: 12 of 1,614,080 alleles (0.00074%); highest among the groups gnomAD compares: Admixed American, 0.017%; no homozygotes.

Submissions (4):

Labcorp Genetics (formerly Invitae), Labcorp
Classification: Likely benign for Autosomal recessive limb-girdle muscular dystrophy type 2O; Muscular dystrophy-dystroglycanopathy (congenital with impaired intellectual development), type B, 3. Last evaluated: 2025-02-02. Review status: criteria provided, single submitter. Criteria: Invitae Variant Classification Sherloc (09022015). Collection method: clinical testing. Allele origin: germline.

Fulgent Genetics
Classification: Likely benign for Muscular dystrophy-dystroglycanopathy (congenital with brain and eye anomalies), type A3; Muscular dystrophy-dystroglycanopathy (congenital with impaired intellectual development), type B, 3; Autosomal recessive limb-girdle muscular dystrophy type 2O; Retinitis pigmentosa 76. Last evaluated: 2022-02-16. Review status: criteria provided, single submitter. Criteria: ACMG Guidelines, 2015. Collection method: clinical testing. Allele origin: unknown.

PreventionGenetics, part of Exact Sciences
Classification: Likely benign for POMGNT1-related condition. Last evaluated: 2023-11-22. Review status: no assertion criteria provided. Collection method: clinical testing. Allele origin: germline. Not counted in ClinVar's aggregate classification.
Comment: This variant is classified as likely benign based on ACMG/AMP sequence variant interpretation guidelines (Richards et al. 2015 PMID: 25741868, with internal and published modifications).

Natera, Inc.
Classification: Likely benign for Muscle-eye-brain disease. Last evaluated: 2020-01-04. Review status: no assertion criteria provided. Collection method: clinical testing. Allele origin: germline. Not counted in ClinVar's aggregate classification.